The following is an entry in ClinVar:

NM_004655.4(AXIN2):c.1172T>G (p.Leu391Arg)

Gene: AXIN2 (axin 2; minus strand). Cytogenetic location: 17q24.1.
Variant type: single nucleotide variant.
Coding change: c.1172T>G on transcript NM_004655.4 (MANE Select); coding-DNA position 1172, T replaced by G.
Protein change: p.Leu391Arg; replaces leucine 391 with arginine.
Molecular consequence: missense variant.
Genome position (GRCh38, 1-based): chr17:65,538,231, A>C on the plus strand (T>G on the coding strand, the complement: AXIN2 is on the minus strand). VCF-style: chr17-65538231-A-C. GRCh37 (hg19) VCF-style: chr17-63534349-A-C.
Other names: c.1172T>G, p.Leu391Arg (NM_001363813.1); short protein forms L391R.
Identifiers: ClinVar variation 2127900 (VCV002127900.5), dbSNP rs370821074, ClinGen allele CA400678220.
Genomic context (GRCh38, chr17:65,538,231, plus strand): 5'-CGGAAGCAGGAAGAAGGCCTAGGCCGCATTACCTCTCGGATCTGCTGCAGGCGCTCCTCC[A>C]GGCTGTGGCGGCTCTCCAACTCCAGCTTCAGCTTTTCCAGCCTCGAGATCAGCTCAGCTG-3'
Protein context (NP_004646.3, residues 381-401): LKLELESRHS[Leu391Arg]EERLQQIRED

ClinVar aggregate classification (germline): Uncertain significance. Review status: criteria provided, multiple submitters, no conflicts (2 of 4 stars). 2 submissions from 2 submitters: Uncertain significance (2). Last evaluated 2026-07-02.

Conditions:
Oligodontia-cancer predisposition syndrome. Also called: TOOTH AGENESIS-COLORECTAL CANCER SYNDROME. Identifiers: Orphanet 300576, MedGen C1837750, MONDO:0012075, OMIM 608615. Disease mechanism: loss of function.
Hereditary cancer-predisposing syndrome. Also called: Tumor predisposition; Hereditary Cancer Syndrome; Hereditary neoplastic syndrome; Neoplastic Syndromes, Hereditary. Identifiers: Orphanet 140162, MedGen C0027672, MeSH D009386, MONDO:0015356.

Submissions (2):

Ambry Genetics
Classification: Uncertain significance for Hereditary cancer-predisposing syndrome. Last evaluated: 2026-07-02. Review status: criteria provided, single submitter. Criteria: Ambry Variant Classification Scheme 2023. Collection method: clinical testing. Allele origin: germline.
Comment: The p.L391R variant (also known as c.1172T>G), located in coding exon 4 of the AXIN2 gene, results from a T to G substitution at nucleotide position 1172. The leucine at codon 391 is replaced by arginine, an amino acid with dissimilar properties. This amino acid position is conserved. In addition, this alteration is predicted to be deleterious by in silico analysis. Based on the available evidence, the clinical significance of this variant remains unclear.

Labcorp Genetics (formerly Invitae), Labcorp
Classification: Uncertain significance for Oligodontia-cancer predisposition syndrome. Last evaluated: 2022-04-19. Review status: criteria provided, single submitter. Criteria: Invitae Variant Classification Sherloc (09022015). Collection method: clinical testing. Allele origin: germline.
Comment: This sequence change replaces leucine, which is neutral and non-polar, with arginine, which is basic and polar, at codon 391 of the AXIN2 protein (p.Leu391Arg). This variant is not present in population databases (gnomAD no frequency). This variant has not been reported in the literature in individuals affected with AXIN2-related conditions. Algorithms developed to predict the effect of missense changes on protein structure and function are either unavailable or do not agree on the potential impact of this missense change (SIFT: "Deleterious"; PolyPhen-2: "Benign"; Align-GVGD: "Class C0"). In summary, the available evidence is currently insufficient to determine the role of this variant in disease. Therefore, it has been classified as a Variant of Uncertain Significance.